The following is an entry in ClinVar:

NM_005236.3(ERCC4):c.2016C>T (p.Ala672=)

Gene: ERCC4 (ERCC excision repair 4, endonuclease catalytic subunit; plus strand). Cytogenetic location: 16p13.12.
Variant type: single nucleotide variant.
Coding change: c.2016C>T on transcript NM_005236.3 (MANE Select); coding-DNA position 2016, C replaced by T.
Protein change: p.Ala672=; no amino-acid change (alanine 672 retained).
Molecular consequence: synonymous variant.
Genome position (GRCh38, 1-based): chr16:13,944,834, C>T. VCF-style: chr16-13944834-C-T. GRCh37 (hg19) VCF-style: chr16-14038691-C-T.
Identifiers: ClinVar variation 1495397 (VCV001495397.21), dbSNP rs775414253, ClinGen allele CA7910637.

ClinVar aggregate classification (germline): Conflicting classifications of pathogenicity. Review status: criteria provided, conflicting classifications (1 of 4 stars). 2 submissions from 2 submitters: Uncertain significance (1); Likely benign (1). Last evaluated 2025-03-05.

Conditions:
Cockayne syndrome. Identifiers: Orphanet 191, MedGen C0009207, MONDO:0016006.
Fanconi anemia complementation group Q. Identifiers: Orphanet 84, MedGen C3808988, MONDO:0014108, OMIM 615272.
Xeroderma pigmentosum, group F (XPF). Also called: ERCC4-Related Xeroderma Pigmentosum; XERODERMA PIGMENTOSUM, COMPLEMENTATION GROUP F; XERODERMA PIGMENTOSUM, TYPE F; Xeroderma pigmentosum, type 6; XERODERMA PIGMENTOSUM VI; XP, GROUP F. Identifiers: MedGen C0268140, MONDO:0010215, OMIM 278760.

Allele frequency attached by ClinVar (database versions not stated): gnomAD exomes 0.00001 and 0.00002; TOPMed 0.00001; ExAC 0.00002; gnomAD 0.00003 and 0.00004.
gnomAD v4.1: 26 of 1,595,590 alleles (0.0016%); highest among the groups gnomAD compares: South Asian, 0.0066%; no homozygotes.

Submissions (2):

Labcorp Genetics (formerly Invitae), Labcorp
Classification: Uncertain significance for Fanconi anemia complementation group Q; Xeroderma pigmentosum, group F; Cockayne syndrome. Last evaluated: 2025-03-05. Review status: criteria provided, single submitter. Criteria: Invitae Variant Classification Sherloc (09022015). Collection method: clinical testing. Allele origin: germline.
Comment: This sequence change affects codon 672 of the ERCC4 mRNA. It is a 'silent' change, meaning that it does not change the encoded amino acid sequence of the ERCC4 protein. It affects a nucleotide within the consensus splice site. This variant is present in population databases (rs775414253, gnomAD 0.007%). This variant has not been reported in the literature in individuals affected with ERCC4-related conditions. ClinVar contains an entry for this variant (Variation ID: 1495397). Algorithms developed to predict the effect of sequence changes on RNA splicing suggest that this variant is not likely to affect RNA splicing. In summary, the available evidence is currently insufficient to determine the role of this variant in disease. Therefore, it has been classified as a Variant of Uncertain Significance.

CeGaT Center for Human Genetics Tuebingen
Classification: Likely benign. Last evaluated: 2025-02-01. Review status: criteria provided, single submitter. Criteria: CeGaT Center For Human Genetics Tuebingen Variant Classification Criteria Version 2. Collection method: clinical testing. Allele origin: germline. Affected: yes. Observed: 1 variant allele.
Comment: ERCC4: BP4, BP7